The following is an entry in ClinVar:

NM_001367624.2(ZNF469):c.1522G>A (p.Ala508Thr)

Gene: ZNF469 (zinc finger protein 469; plus strand). Cytogenetic location: 16q24.2.
Variant type: single nucleotide variant.
Coding change: c.1522G>A on transcript NM_001367624.2 (MANE Select); coding-DNA position 1522, G replaced by A.
Protein change: p.Ala508Thr; replaces alanine 508 with threonine.
Molecular consequence: missense variant.
Genome position (GRCh38, 1-based): chr16:88,428,992, G>A. VCF-style: chr16-88428992-G-A. GRCh37 (hg19) VCF-style: chr16-88495400-G-A.
Other names: NM_001127464.1:c.1522G>A; NM_001127464.2:c.1522G>A; p.Ala508Thr; short protein forms A508T.
Identifiers: ClinVar variation 808123 (VCV000808123.59), dbSNP rs750005577, ClinGen allele CA8224683.
Genomic context (GRCh38, chr16:88,428,992, plus strand): 5'-CTCCCGACCGCCCGGCCAAGTCCCCACGGAATGGAGATGCTGAGCCGGCTGCCTTTCCCC[G>A]CGGGGGGCCCCGAGTGGCAGGGGGGCAGCCAAGGAGCCCTGGGCACTGCTGGCAAGACAC-3'
Protein context (NP_001354553.1, residues 498-518): MEMLSRLPFP[Ala508Thr]GGPEWQGGSQ

ClinVar aggregate classification (germline): Benign/Likely benign. Review status: criteria provided, multiple submitters, no conflicts (2 of 4 stars). 7 submissions from 7 submitters: Benign (1); Likely benign (5). 1 of the submissions does not count toward it. Last evaluated 2026-09-01.

Conditions:
ZNF469-related disorder. Also called: ZNF469-related condition.
Cardiovascular phenotype. Identifiers: MedGen CN230736.

Allele frequency attached by ClinVar (database versions not stated): 1000 Genomes Project 30x 0.00016; ExAC 0.00016; gnomAD 0.00022; TOPMed 0.00055; gnomAD exomes 0.00074.
gnomAD v4.1: 218 of 1,549,106 alleles (0.014%); highest among the groups gnomAD compares: Admixed American, 0.27%; no homozygotes.

Submissions (7):

CeGaT Center for Human Genetics Tuebingen
Classification: Likely benign. Last evaluated: 2026-09-01. Review status: criteria provided, single submitter. Criteria: CeGaT Center For Human Genetics Tuebingen Variant Classification Criteria Version 2. Collection method: clinical testing. Allele origin: germline. Affected: yes. Observed: 3 variant alleles.
Comment: ZNF469: BP4

Women's Health and Genetics/Laboratory Corporation of America, LabCorp
Classification: Likely benign. Last evaluated: 2026-04-21. Review status: criteria provided, single submitter. Criteria: LabCorp Variant Classification Summary - May 2015. Collection method: clinical testing. Allele origin: germline.
Comment: Variant summary: ZNF469 c.1522G>A (p.Ala508Thr) results in a non-conservative amino acid change in the encoded protein sequence. Algorithms developed to predict the effect of missense changes on protein structure and function are either unavailable or do not agree on the potential impact of this missense change. The variant allele was found at a frequency of 0.00074 in 143994 control chromosomes, predominantly at a frequency of 0.0042 within the Latino subpopulation in the gnomAD database. The observed variant frequency within Latino control individuals in the gnomAD database exceeds the estimated maximal expected allele frequency for disease-causing variants in ZNF469. c.1522G>A has been reported in the literature in at least an individual affected with keratoconus (Lucas_2017). This report however, does not provide unequivocal conclusions about association of the variant with Brittle cornea syndrome 1. To our knowledge, no experimental evidence demonstrating an impact on protein function has been reported. The following publication has been ascertained in the context of this evaluation (PMID: 29228253). ClinVar contains an entry for this variant (Variation ID: 808123). Based on the evidence outlined above, the variant was classified as likely benign.

Labcorp Genetics (formerly Invitae), Labcorp
Classification: Likely benign. Last evaluated: 2026-01-26. Review status: criteria provided, single submitter. Criteria: Invitae Variant Classification Sherloc (09022015). Collection method: clinical testing. Allele origin: germline.

Mayo Clinic Laboratories, Mayo Clinic
Classification: Likely benign. Last evaluated: 2025-07-09. Review status: criteria provided, single submitter. Criteria: ACMG Guidelines, 2015. Collection method: clinical testing. Allele origin: germline. Observed: 2 variant alleles.
Comment: BS1, BP4

Ambry Genetics
Classification: Benign for Cardiovascular phenotype. Last evaluated: 2021-12-01. Review status: criteria provided, single submitter. Criteria: Ambry Variant Classification Scheme 2023. Collection method: clinical testing. Allele origin: germline.

GeneDx
Classification: Likely benign. Last evaluated: 2020-12-18. Review status: criteria provided, single submitter. Criteria: GeneDx Variant Classification Process June 2021. Collection method: clinical testing. Allele origin: germline. Affected: yes.
Comment: This variant is associated with the following publications: (PMID: 29228253)

PreventionGenetics, part of Exact Sciences
Classification: Likely benign for ZNF469-related condition. Last evaluated: 2022-04-04. Review status: no assertion criteria provided. Collection method: clinical testing. Allele origin: germline. Not counted in ClinVar's aggregate classification.
Comment: This variant is classified as likely benign based on ACMG/AMP sequence variant interpretation guidelines (Richards et al. 2015 PMID: 25741868, with internal and published modifications).

Literature cited by the submitters: PubMed 29228253 (cited by 3 submitters).